The following is an entry in ClinVar:

ClinVar aggregate classification (germline): Uncertain significance (1 of 4 stars; one submission).

Submission:

GeneDx
Classification: Uncertain significance. Last evaluated: 2025-06-04. Review status: criteria provided, single submitter. Criteria: GeneDx Variant Classification Process June 2021. Collection method: clinical testing. Allele origin: germline. Affected: yes.
Comment: Not observed at significant frequency in large population cohorts (gnomAD); In silico analysis supports that this missense variant has a deleterious effect on protein structure/function; Has not been previously published as pathogenic or benign to our knowledge

NM_024422.6(DSC2):c.1100A>C (p.Asn367Thr)

Gene: DSC2 (desmocollin 2; minus strand). Cytogenetic location: 18q12.1.
Variant type: single nucleotide variant.
Coding change: c.1100A>C on transcript NM_024422.6 (MANE Select); coding-DNA position 1100, A replaced by C.
Protein change: p.Asn367Thr; replaces asparagine 367 with threonine.
Molecular consequence: missense variant.
Genome position (GRCh38, 1-based): chr18:31,082,401, T>G on the plus strand (A>C on the coding strand, the complement: DSC2 is on the minus strand). VCF-style: chr18-31082401-T-G. GRCh37 (hg19) VCF-style: chr18-28662367-T-G.
Other names: c.671A>C, p.Asn224Thr (NM_001406506.1, NM_001406507.1); c.1100A>C, p.Asn367Thr (NM_004949.5); short protein forms N224T, N367T.
Identifiers: ClinVar variation 4536409 (VCV004536409.1).
Genomic context (GRCh38, chr18:31,082,401, plus strand): 5'-GCAGTATTCACTAAGTCCTTATCCTCAACAGTAACTCGTAAGATTTCCACATCAACTGTA[T>G]TTTCTTCCACTGATGTCACATACTAAAATAATAAAAGCAAACAAAAAATTTCGTTAGTAA-3'
Protein context (NP_077740.1, residues 357-377): RTSYVTSVEE[Asn367Thr]TVDVEILRVT